The following is an entry in ClinVar:

NM_001211.6(BUB1B):c.275G>C (p.Gly92Ala)

Gene: BUB1B (BUB1 mitotic checkpoint serine/threonine kinase B; plus strand). Cytogenetic location: 15q15.1.
Variant type: single nucleotide variant.
Coding change: c.275G>C on transcript NM_001211.6 (MANE Select); coding-DNA position 275, G replaced by C.
Protein change: p.Gly92Ala; replaces glycine 92 with alanine.
Molecular consequence: missense variant.
Genome position (GRCh38, 1-based): chr15:40,170,572, G>C. VCF-style: chr15-40170572-G-C. GRCh37 (hg19) VCF-style: chr15-40462773-G-C.
Other names: short protein forms G92A.
Identifiers: ClinVar variation 661146 (VCV000661146.11), dbSNP rs1595511034, ClinGen allele CA391679003.
Genomic context (GRCh38, chr15:40,170,572, plus strand): 5'-TTCTTATCTTTTTCCTCCCATTTAGGTATATCAGCTGGACAGAGCAGAACTATCCTCAAG[G>C]TGGGAAGGAGAGTAATATGTCAACGTTATTAGAAAGAGCTGTAGAAGCACTACAAGGAGA-3'
Protein context (NP_001202.5, residues 82-102): ISWTEQNYPQ[Gly92Ala]GKESNMSTLL

ClinVar aggregate classification (germline): Uncertain significance. Review status: criteria provided, multiple submitters, no conflicts (2 of 4 stars). 2 submissions from 2 submitters: Uncertain significance (2). Last evaluated 2025-12-22.

Conditions:
Mosaic variegated aneuploidy syndrome 1 (MVA1). Also called: Warburton-Anyane-Yeboa syndrome. Identifiers: Orphanet 1052, MedGen C1850343, MONDO:0009759, OMIM 257300.
Inborn genetic diseases. Identifiers: MedGen C0950123, MeSH D030342.

Submissions (2):

Ambry Genetics
Classification: Uncertain significance for Inborn genetic diseases. Last evaluated: 2025-12-22. Review status: criteria provided, single submitter. Criteria: Ambry Variant Classification Scheme 2023. Collection method: clinical testing. Allele origin: germline.
Comment: The p.G92A variant (also known as c.275G>C), located in coding exon 4 of the BUB1B gene, results from a G to C substitution at nucleotide position 275. The glycine at codon 92 is replaced by alanine, an amino acid with similar properties. This amino acid position is conserved. In addition, the in silico prediction for this alteration is inconclusive. Since supporting evidence is limited at this time, the clinical significance of this alteration remains unclear.

Labcorp Genetics (formerly Invitae), Labcorp
Classification: Uncertain significance for Mosaic variegated aneuploidy syndrome 1. Last evaluated: 2022-09-09. Review status: criteria provided, single submitter. Criteria: Invitae Variant Classification Sherloc (09022015). Collection method: clinical testing. Allele origin: germline.
Comment: In summary, the available evidence is currently insufficient to determine the role of this variant in disease. Therefore, it has been classified as a Variant of Uncertain Significance. Algorithms developed to predict the effect of missense changes on protein structure and function are either unavailable or do not agree on the potential impact of this missense change (SIFT: "Tolerated"; PolyPhen-2: "Probably Damaging"; Align-GVGD: "Class C0"). ClinVar contains an entry for this variant (Variation ID: 661146). This variant has not been reported in the literature in individuals affected with BUB1B-related conditions. This variant is not present in population databases (gnomAD no frequency). This sequence change replaces glycine, which is neutral and non-polar, with alanine, which is neutral and non-polar, at codon 92 of the BUB1B protein (p.Gly92Ala).